The following is an entry in ClinVar:

NM_173628.4(DNAH17):c.9745G>A (p.Val3249Ile)

Gene: DNAH17 (dynein axonemal heavy chain 17; minus strand). Cytogenetic location: 17q25.3.
Variant type: single nucleotide variant.
Coding change: c.9745G>A on transcript NM_173628.4 (MANE Select); coding-DNA position 9745, G replaced by A.
Protein change: p.Val3249Ile; replaces valine 3249 with isoleucine.
Molecular consequence: missense variant.
Genome position (GRCh38, 1-based): chr17:78,459,117, C>T on the plus strand (G>A on the coding strand, the complement: DNAH17 is on the minus strand). VCF-style: chr17-78459117-C-T. GRCh37 (hg19) VCF-style: chr17-76455199-C-T.
Other names: short protein forms V3249I.
Identifiers: ClinVar variation 3038041 (VCV003038041.3), dbSNP rs139080560, ClinGen allele CA8801175.
Genomic context (GRCh38, chr17:78,459,117, plus strand): 5'-TAGCCTCCTCCAGTGCCTGCCTCTTGGGCGCCACGTCGCAGTAGACCTCGTAGAAGCGGA[C>T]GATGTTGATGCACCAGGAGCACAGGCCGGCGGCGGCCGTGGACTTGGAGCGGATGAACTC-3'
Protein context (NP_775899.3, residues 3239-3259): AGLCSWCINI[Val3249Ile]RFYEVYCDVA

ClinVar aggregate classification (germline): Likely benign. Review status: criteria provided, single submitter (1 of 4 stars). 2 submissions from 2 submitters: Likely benign (1). 1 of the submissions does not count toward it. Last evaluated 2023-11-03.

Conditions:
Inborn genetic diseases. Identifiers: MedGen C0950123, MeSH D030342.
DNAH17-related disorder. Also called: DNAH17-related condition.

Allele frequency attached by ClinVar (database versions not stated): ExAC 0.00107; 1000 Genomes Project 30x 0.00234; 1000 Genomes Project 0.00240; ESP Exome Variant Server 0.00400.
gnomAD v4.1: 1,038 of 1,613,976 alleles (0.064%); highest among the groups gnomAD compares: African/African-American, 1.2%; 7 homozygotes.

Submissions (2):

Ambry Genetics
Classification: Likely benign for Inborn genetic diseases. Last evaluated: 2023-11-03. Review status: criteria provided, single submitter. Criteria: Ambry Variant Classification Scheme 2023. Collection method: clinical testing. Allele origin: germline.

PreventionGenetics, part of Exact Sciences
Classification: Benign for DNAH17-related condition. Last evaluated: 2019-06-27. Review status: no assertion criteria provided. Collection method: clinical testing. Allele origin: germline. Not counted in ClinVar's aggregate classification.
Comment: This variant is classified as benign based on ACMG/AMP sequence variant interpretation guidelines (Richards et al. 2015 PMID: 25741868, with internal and published modifications).